The following is an entry in ClinVar:

ClinVar aggregate classification (germline): Conflicting classifications of pathogenicity. Review status: criteria provided, conflicting classifications (1 of 4 stars). 3 submissions from 3 submitters: Uncertain significance (2); Likely benign (1). Last evaluated 2026-06-10.

Conditions:
CHD4-related disorder. Also called: CHD4-related condition.
Inborn genetic diseases. Identifiers: MedGen C0950123, MeSH D030342.

Allele frequency attached by ClinVar (database versions not stated): TOPMed 0.00005; gnomAD 0.00006.
gnomAD v4.1: 112 of 1,613,896 alleles (0.0069%); highest among the groups gnomAD compares: Middle Eastern, 0.033%; no homozygotes.

Submissions (3):

PreventionGenetics, part of Exact Sciences
Classification: Uncertain significance for CHD4-related condition. Last evaluated: 2026-06-10. Review status: criteria provided, single submitter. Criteria: ACMG Guidelines, 2015. Collection method: clinical testing. Allele origin: germline.
Comment: The CHD4 c.224G>A variant is predicted to result in the amino acid substitution p.Arg75His. To our knowledge, this variant has not been reported in the literature. This variant is reported in 0.0080% of alleles in individuals of African descent in gnomAD. At this time, the clinical significance of this variant is uncertain due to the absence of conclusive functional and genetic evidence.

Labcorp Genetics (formerly Invitae), Labcorp
Classification: Uncertain significance. Last evaluated: 2025-09-15. Review status: criteria provided, single submitter. Criteria: Invitae Variant Classification Sherloc (09022015). Collection method: clinical testing. Allele origin: germline.
Comment: This sequence change replaces arginine, which is basic and polar, with histidine, which is basic and polar, at codon 75 of the CHD4 protein (p.Arg75His). This variant is present in population databases (rs755840734, gnomAD 0.01%). This variant has not been reported in the literature in individuals affected with CHD4-related conditions. This missense change has been observed in at least one individual who was not affected with CHD4-related conditions (internal data). ClinVar contains an entry for this variant (Variation ID: 2717147). An algorithm developed to predict the effect of missense changes on protein structure and function (PolyPhen-2) suggests that this variant is likely to be disruptive. In summary, the available evidence is currently insufficient to determine the role of this variant in disease. Therefore, it has been classified as a Variant of Uncertain Significance.

Ambry Genetics
Classification: Likely benign for Inborn genetic diseases. Last evaluated: 2024-10-03. Review status: criteria provided, single submitter. Criteria: Ambry Variant Classification Scheme 2023. Collection method: clinical testing. Allele origin: germline.

NM_001273.5(CHD4):c.224G>A (p.Arg75His)

Gene: CHD4 (chromodomain helicase DNA binding protein 4; minus strand). Cytogenetic location: 12p13.31.
Variant type: single nucleotide variant.
Coding change: c.224G>A on transcript NM_001273.5 (MANE Select); coding-DNA position 224, G replaced by A.
Protein change: p.Arg75His; replaces arginine 75 with histidine.
Molecular consequence: missense variant. On other transcripts: intron variant (1).
Genome position (GRCh38, 1-based): chr12:6,602,174, C>T on the plus strand (G>A on the coding strand, the complement: CHD4 is on the minus strand). VCF-style: chr12-6602174-C-T. GRCh37 (hg19) VCF-style: chr12-6711340-C-T.
Other names: c.224G>A (NM_001273.3, NM_001273.2); c.224G>A, p.Arg75His (NM_001363606.2); c.223-20G>A (NM_001297553.2); short protein forms R75H.
Identifiers: ClinVar variation 2717147 (VCV002717147.5), dbSNP rs755840734, ClinGen allele CA6412566.